The following is an entry in ClinVar:

NM_001267550.2(TTN):c.24193T>C (p.Ser8065Pro)

Gene: TTN (titin; minus strand). Cytogenetic location: 2q31.2.
Variant type: single nucleotide variant.
Coding change: c.24193T>C on transcript NM_001267550.2 (MANE Select); coding-DNA position 24193, T replaced by C.
Protein change: p.Ser8065Pro; replaces serine 8065 with proline.
Molecular consequence: missense variant. On other transcripts: intron variant (3).
Genome position (GRCh38, 1-based): chr2:178,719,197, A>G on the plus strand (T>C on the coding strand, the complement: TTN is on the minus strand). VCF-style: chr2-178719197-A-G. GRCh37 (hg19) VCF-style: chr2-179583924-A-G.
Other names: p.Ser7748Pro; c.23242T>C, p.Ser7748Pro (NM_001256850.1); c.20461T>C, p.Ser6821Pro (NM_133378.4); c.13282+18885T>C (NM_003319.4); c.13858+18885T>C (NM_133437.4); c.13657+18885T>C (NM_133432.3); short protein forms S6821P, S7748P, S8065P.
Identifiers: ClinVar variation 4684619 (VCV004684619.1).

ClinVar aggregate classification (germline): Likely benign (1 of 4 stars; one submission).

gnomAD v4.1: 1 of 1,613,698 alleles (0.000062%); highest among the groups gnomAD compares: African/African-American, 0.0013%; no homozygotes.

Submission:

Mayo Clinic Laboratories, Mayo Clinic
Classification: Likely benign. Last evaluated: 2025-09-30. Review status: criteria provided, single submitter. Criteria: ACMG Guidelines, 2015. Collection method: clinical testing. Allele origin: germline. Observed: 1 variant allele.
Comment: BP4, BP7, PM2_supporting